The following is an entry in ClinVar:

NM_174936.4(PCSK9):c.616G>A (p.Glu206Lys)

Gene: PCSK9 (proprotein convertase subtilisin/kexin type 9; plus strand). Cytogenetic location: 1p32.3.
Variant type: single nucleotide variant.
Coding change: c.616G>A on transcript NM_174936.4 (MANE Select); coding-DNA position 616, G replaced by A.
Protein change: p.Glu206Lys; replaces glutamic acid 206 with lysine.
Molecular consequence: missense variant.
Genome position (GRCh38, 1-based): chr1:55,052,370, G>A. VCF-style: chr1-55052370-G-A. GRCh37 (hg19) VCF-style: chr1-55518043-G-A.
Other names: c.739G>A, p.Glu247Lys (NM_001407240.1); c.616G>A, p.Glu206Lys (NM_001407241.1, NM_001407242.1, NM_001407244.1 and 1 more transcripts); c.559G>A, p.Glu187Lys (NM_001407243.1); c.424G>A, p.Glu142Lys (NM_001407245.1); c.241G>A, p.Glu81Lys (NM_001407246.1); short protein forms E206K, E142K, E247K, E187K, E81K.
Identifiers: ClinVar variation 375845 (VCV000375845.20), dbSNP rs753857795, ClinGen allele CA043444.
Genomic context (GRCh38, chr1:55,052,370, plus strand): 5'-GACACCAGCATACAGAGTGACCACCGGGAAATCGAGGGCAGGGTCATGGTCACCGACTTC[G>A]AGAATGTGCCCGAGGAGGACGGGACCCGCTTCCACAGACAGGTAAGCACGGCCGTCTGAT-3'
Protein context (NP_777596.2, residues 196-216): IEGRVMVTDF[Glu206Lys]NVPEEDGTRF

ClinVar aggregate classification (germline): Conflicting classifications of pathogenicity. Review status: criteria provided, conflicting classifications (1 of 4 stars). 6 submissions from 6 submitters: Uncertain significance (5); Likely benign (1). Last evaluated 2025-06-10.

Conditions:
Cardiovascular phenotype. Identifiers: MedGen CN230736.
Familial hypercholesterolemia. Also called: Familial hypercholesterolemias; Familial hypercholesterolaemia. Identifiers: MedGen C0020445, MONDO:0005439.
Hypercholesterolemia, autosomal dominant, 3 (FHCL3). Also called: Familial hypercholesterolemia 3; Familial Hypercholesterolemia, Autosomal Dominant, 3; PCSK9-Related Familial Hypercholesterolemia, Autosomal Dominant. Identifiers: MedGen C1863551, MONDO:0011369, OMIM 603776.

Allele frequency attached by ClinVar (database versions not stated): gnomAD exomes 0.00001; ExAC 0.00002; gnomAD 0.00002; TOPMed 0.00002.

Submissions (6):

Quest Diagnostics Nichols Institute San Juan Capistrano
Classification: Uncertain significance. Last evaluated: 2025-06-10. Review status: criteria provided, single submitter. Criteria: Quest Diagnostics criteria. Collection method: clinical testing. Allele origin: unknown.
Comment: The PCSK9 c.616G>A (p.Glu206Lys) variant has been reported in the published literature in an individual with features suggestive of familial hypercholesteremia (PMID: 23663650 (2013)). The frequency of this variant in the general population (Genome Aggregation Database) is uninformative in the assessment of its pathogenicity. Analysis of this variant using bioinformatics tools for the prediction of the effect of amino acid changes on protein structure and function yielded predictions that this variant is benign. Based on the available information, we are unable to determine the clinical significance of this variant.

Ambry Genetics
Classification: Uncertain significance for Cardiovascular phenotype. Last evaluated: 2025-01-10. Review status: criteria provided, single submitter. Criteria: Ambry Variant Classification Scheme 2023. Collection method: clinical testing. Allele origin: germline.
Comment: The p.E206K variant (also known as c.616G>A), located in coding exon 4 of the PCSK9 gene, results from a G to A substitution at nucleotide position 616. The glutamic acid at codon 206 is replaced by lysine, an amino acid with similar properties. This variant was reported in individual(s) with features consistent with hypercholesterolemia (Mayne J. J Clin Endocrinol Metab. 2018 Sep;103(9):3486-3495). This amino acid position is not well conserved in available vertebrate species. In addition, this alteration is predicted to be tolerated by in silico analysis. Based on the available evidence, the clinical significance of this variant remains unclear.

Color Diagnostics, LLC DBA Color Health
Classification: Uncertain significance for Familial hypercholesterolemia. Last evaluated: 2024-03-17. Review status: criteria provided, single submitter. Criteria: ACMG Guidelines, 2015. Collection method: clinical testing. Allele origin: germline.
Comment: This missense variant replaces glutamic acid with lysine at codon 206 of the PCSK9 protein. Computational prediction tools indicate that this variant has a neutral impact on protein structure and function. To our knowledge, functional studies have not been reported for this variant. This variant has been reported in one individual affected with familial hypercholesterolemia (PMID: 23663650). This variant has been identified in 3/251278 chromosomes in the general population by the Genome Aggregation Database (gnomAD). The available evidence is insufficient to determine the role of this variant in disease conclusively. Therefore, this variant is classified as a Variant of Uncertain Significance.

All of Us Research Program, National Institutes of Health
Classification: Uncertain significance for Hypercholesterolemia, autosomal dominant, 3. Last evaluated: 2024-03-05. Review status: criteria provided, single submitter. Criteria: ACMG Guidelines, 2015. Collection method: clinical testing. Allele origin: germline. Inheritance: Autosomal dominant inheritance. Observed: 9 variant alleles, 9 heterozygotes.
Comment: This missense variant replaces glutamic acid with lysine at codon 206 of the PCSK9 protein. Computational prediction suggests that this variant may not impact protein structure and function (internally defined REVEL score threshold <= 0.5, PMID: 27666373). To our knowledge, functional studies have not been reported for this variant. This variant has been reported in an individuals affected with hypercholesterolemia (PMID: 23663650). This variant has been identified in 3/251278 chromosomes in the general population by the Genome Aggregation Database (gnomAD). The available evidence is insufficient to determine the role of this variant in disease conclusively. Therefore, this variant is classified as a Variant of Uncertain Significance.

This study involves interpretation of variants in research participants for the purpose of population health screening. Participant phenotype was not available at the time of variant classification. Additional details can be found in publication PMID: 35346344, PMCID: PMC8962531

Labcorp Genetics (formerly Invitae), Labcorp
Classification: Uncertain significance for Hypercholesterolemia, autosomal dominant, 3. Last evaluated: 2023-11-08. Review status: criteria provided, single submitter. Criteria: Invitae Variant Classification Sherloc (09022015). Collection method: clinical testing. Allele origin: germline.
Comment: This sequence change replaces glutamic acid, which is acidic and polar, with lysine, which is basic and polar, at codon 206 of the PCSK9 protein (p.Glu206Lys). This variant is present in population databases (rs753857795, gnomAD 0.003%). This missense change has been observed in individual(s) with clinical features of familial hypercholesterolemia (PMID: 23663650). ClinVar contains an entry for this variant (Variation ID: 375845). Advanced modeling of protein sequence and biophysical properties (such as structural, functional, and spatial information, amino acid conservation, physicochemical variation, residue mobility, and thermodynamic stability) has been performed at Invitae for this missense variant, however the output from this modeling did not meet the statistical confidence thresholds required to predict the impact of this variant on PCSK9 protein function. In summary, the available evidence is currently insufficient to determine the role of this variant in disease. Therefore, it has been classified as a Variant of Uncertain Significance.

Centre de Génétique Moléculaire et Chromosomique, Unité de génétique de l'Obésité et des Dyslipidémies, APHP, GH Hôpitaux Universitaires Pitié-Salpêtrière / Charles-Foix
Classification: Likely benign for Hypercholesterolemia, autosomal dominant, 3. Last evaluated: 2016-12-16. Review status: criteria provided, single submitter. Criteria: ACMG Guidelines, 2015. Collection method: clinical testing. Allele origin: germline. Affected: yes.
Comment: subject mutated among 2600 FH index cases screened = 1, family members = 4, without co-segregation / Software predictions: Benign

Literature cited by the submitters: PubMed 23663650 (cited by 4 submitters); PubMed 29982529 (cited by Ambry Genetics).